The following is an entry in ClinVar:

NM_001077350.3(NPRL3):c.1070C>T (p.Pro357Leu)

Genes: HBA-LCR (alpha-globin locus control region; plus strand), NPRL3 (NPR3 like, GATOR1 complex subunit; minus strand). Cytogenetic location: 16p13.3.
Variant type: single nucleotide variant.
Coding change: c.1070C>T on transcript NM_001077350.3 (MANE Select); coding-DNA position 1070, C replaced by T.
Protein change: p.Pro357Leu; replaces proline 357 with leucine.
Molecular consequence: missense variant.
Genome position (GRCh38, 1-based): chr16:92,687, G>A on the plus strand (C>T on the coding strand, the complement: NPRL3 is on the minus strand). VCF-style: chr16-92687-G-A. GRCh37 (hg19) VCF-style: chr16-142685-G-A.
Other names: c.533C>T, p.Pro178Leu (NM_001039476.3); c.836C>T, p.Pro279Leu (NM_001243247.2); c.995C>T, p.Pro332Leu (NM_001243248.2, NM_001243249.2); short protein forms P178L, P332L, P279L, P357L.
Identifiers: ClinVar variation 3712324 (VCV003712324.2).

ClinVar aggregate classification (germline): Uncertain significance (1 of 4 stars; one submission).

Conditions:
Epilepsy, familial focal, with variable foci 3 (FFEVF3). Identifiers: MedGen C4310708, MONDO:0014925, OMIM 617118.

Submission:

Labcorp Genetics (formerly Invitae), Labcorp
Classification: Uncertain significance for Epilepsy, familial focal, with variable foci 3. Last evaluated: 2025-02-02. Review status: criteria provided, single submitter. Criteria: Invitae Variant Classification Sherloc (09022015). Collection method: clinical testing. Allele origin: germline.
Comment: This sequence change replaces proline, which is neutral and non-polar, with leucine, which is neutral and non-polar, at codon 357 of the NPRL3 protein (p.Pro357Leu). This variant is present in population databases (no rsID available, gnomAD 0.0009%). This variant has not been reported in the literature in individuals affected with NPRL3-related conditions. Invitae Evidence Modeling of protein sequence and biophysical properties (such as structural, functional, and spatial information, amino acid conservation, physicochemical variation, residue mobility, and thermodynamic stability) indicates that this missense variant is expected to disrupt NPRL3 protein function with a positive predictive value of 80%. In summary, the available evidence is currently insufficient to determine the role of this variant in disease. Therefore, it has been classified as a Variant of Uncertain Significance.